The following is an entry in ClinVar:

ClinVar aggregate classification (germline): Uncertain significance. Review status: criteria provided, multiple submitters, no conflicts (2 of 4 stars). 2 submissions from 2 submitters: Uncertain significance (2). Last evaluated 2022-12-02.

Conditions:
Vici syndrome (VICIS). Identifiers: Orphanet 1493, MedGen C1855772, MONDO:0009452, OMIM 242840.
Inborn genetic diseases. Identifiers: MedGen C0950123, MeSH D030342.

Allele frequency attached by ClinVar (database versions not stated): gnomAD exomes below 0.00001 and 0.00001.
gnomAD v4.1: 4 of 1,614,112 alleles (0.00025%); highest among the groups gnomAD compares: Non-Finnish European, 0.00034%; no homozygotes.

Submissions (2):

Ambry Genetics
Classification: Uncertain significance for Inborn genetic diseases. Last evaluated: 2022-12-02. Review status: criteria provided, single submitter. Criteria: Ambry Variant Classification Scheme 2023. Collection method: clinical testing. Allele origin: germline.

Labcorp Genetics (formerly Invitae), Labcorp
Classification: Uncertain significance for Vici syndrome. Last evaluated: 2022-01-08. Review status: criteria provided, single submitter. Criteria: Invitae Variant Classification Sherloc (09022015). Collection method: clinical testing. Allele origin: germline.
Comment: This sequence change replaces histidine, which is basic and polar, with tyrosine, which is neutral and polar, at codon 2064 of the EPG5 protein (p.His2064Tyr). This variant is present in population databases (no rsID available, gnomAD 0.0009%). This variant has not been reported in the literature in individuals affected with EPG5-related conditions. ClinVar contains an entry for this variant (Variation ID: 1008669). Algorithms developed to predict the effect of missense changes on protein structure and function output the following: SIFT: "Tolerated"; PolyPhen-2: "Benign"; Align-GVGD: "Class C0". The tyrosine amino acid residue is found in multiple mammalian species, which suggests that this missense change does not adversely affect protein function. In summary, the available evidence is currently insufficient to determine the role of this variant in disease. Therefore, it has been classified as a Variant of Uncertain Significance.

NM_020964.3(EPG5):c.6190C>T (p.His2064Tyr)

Gene: EPG5 (ectopic P-granules 5 autophagy tethering factor; minus strand). Cytogenetic location: 18q12.3.
Variant type: single nucleotide variant.
Coding change: c.6190C>T on transcript NM_020964.3 (MANE Select); coding-DNA position 6190, C replaced by T.
Protein change: p.His2064Tyr; replaces histidine 2064 with tyrosine.
Molecular consequence: missense variant.
Genome position (GRCh38, 1-based): chr18:45,870,602, G>A on the plus strand (C>T on the coding strand, the complement: EPG5 is on the minus strand). VCF-style: chr18-45870602-G-A. GRCh37 (hg19) VCF-style: chr18-43450567-G-A.
Other names: c.6190C>T (NM_020964.2); short protein forms H2064Y.
Identifiers: ClinVar variation 1008669 (VCV001008669.7), dbSNP rs1269756096, ClinGen allele CA402340443.
Genomic context (GRCh38, chr18:45,870,602, plus strand): 5'-GCGATGCCGGGAATGAAGGGCTTACTTTGAAGAAGGCCTCCATGAGCATCTGGTCAGGGT[G>A]CAGGTCCTTCCATGGCAGTTTCCGGTACGTGCTATGGAAAGCGTACAGAATGAACTCTGG-3'
Protein context (NP_066015.2, residues 2054-2074): TYRKLPWKDL[His2064Tyr]PDQMLMEAFF